The following is an entry in ClinVar:

NM_017755.6(NSUN2):c.2193C>T (p.Asp731=)

Gene: NSUN2 (NOP2/Sun RNA methyltransferase 2; minus strand). Cytogenetic location: 5p15.31.
Variant type: single nucleotide variant.
Coding change: c.2193C>T on transcript NM_017755.6 (MANE Select); coding-DNA position 2193, C replaced by T.
Protein change: p.Asp731=; no amino-acid change (aspartic acid 731 retained).
Molecular consequence: synonymous variant. On other transcripts: non-coding transcript variant (1).
Genome position (GRCh38, 1-based): chr5:6,600,037, G>A on the plus strand (C>T on the coding strand, the complement: NSUN2 is on the minus strand). VCF-style: chr5-6600037-G-A. GRCh37 (hg19) VCF-style: chr5-6600150-G-A.
Other names: c.2088C>T, p.Asp696= (NM_001193455.2).
Identifiers: ClinVar variation 129839 (VCV000129839.25), dbSNP rs3822434, ClinGen allele CA154166.

ClinVar aggregate classification (germline): Benign. Review status: criteria provided, multiple submitters, no conflicts (2 of 4 stars). 7 submissions from 7 submitters: Benign (6). 1 of the submissions does not count toward it. Last evaluated 2026-02-04.

Conditions:
Inborn genetic diseases. Identifiers: MedGen C0950123, MeSH D030342.
Intellectual developmental disorder, autosomal recessive 5. Also called: Intellectual disability, autosomal recessive 5. Identifiers: Orphanet 88616, MedGen C1970199, MONDO:0012613, OMIM 611091.

Allele frequency attached by ClinVar (database versions not stated): ESP Exome Variant Server 0.12994; TOPMed 0.14352; gnomAD 0.14485 and 0.14851; gnomAD exomes 0.15705 and 0.17853; 1000 Genomes Project 0.17352; ExAC 0.17431; 1000 Genomes Project 30x 0.17458.

Submissions (7):

Labcorp Genetics (formerly Invitae), Labcorp
Classification: Benign. Last evaluated: 2026-02-04. Review status: criteria provided, single submitter. Criteria: Invitae Variant Classification Sherloc (09022015). Collection method: clinical testing. Allele origin: germline.

Blueprint Genetics
Classification: Benign. Last evaluated: 2024-11-26. Review status: criteria provided, single submitter. Criteria: ACMG Guidelines, 2015. Collection method: clinical testing. Allele origin: germline.

GeneDx
Classification: Benign. Last evaluated: 2018-09-11. Review status: criteria provided, single submitter. Criteria: GeneDx Variant Classification Process June 2021. Collection method: clinical testing. Allele origin: germline. Affected: yes.

Illumina Laboratory Services, Illumina
Classification: Benign for Intellectual developmental disorder, autosomal recessive 5. Last evaluated: 2018-01-12. Review status: criteria provided, single submitter. Criteria: ICSL Variant Classification Criteria 13 December 2019. Collection method: clinical testing. Allele origin: germline.
Comment: This variant was observed in the ICSL laboratory as part of a predisposition screen in an ostensibly healthy population. It had not been previously curated by ICSL or reported in the Human Gene Mutation Database (HGMD: prior to June 1st, 2018), and was therefore a candidate for classification through an automated scoring system. Utilizing variant allele frequency, disease prevalence and penetrance estimates, and inheritance mode, an automated score was calculated to assess if this variant is too frequent to cause the disease. Based on the score and internal cut-off values, a variant classified as benign is not then subjected to further curation. The score for this variant resulted in a classification of benign for this disease.

Ambry Genetics
Classification: Benign for Inborn genetic diseases. Last evaluated: 2016-03-11. Review status: criteria provided, single submitter. Criteria: Ambry Variant Classification Scheme 2023. Collection method: clinical testing. Allele origin: germline.

Breakthrough Genomics
Classification: Benign. Review status: criteria provided, single submitter. Criteria: ACMG Guidelines, 2015. Collection method: not provided. Allele origin: germline. Inheritance: Autosomal recessive inheritance. Affected: yes.

Genetic Services Laboratory, University of Chicago
Classification: Likely benign for AllHighlyPenetrant. Review status: no assertion criteria provided. Collection method: clinical testing. Allele origin: germline. Inheritance: Autosomal recessive inheritance. Not counted in ClinVar's aggregate classification.
Comment: Likely benign based on allele frequency in 1000 Genomes Project or ESP global frequency and its presence in a patient with a rare or unrelated disease phenotype. NOT Sanger confirmed.